The following is an entry in ClinVar:

NM_182961.4(SYNE1):c.13031A>T (p.Glu4344Val)

Gene: SYNE1 (spectrin repeat containing nuclear envelope protein 1; minus strand). Cytogenetic location: 6q25.2.
Variant type: single nucleotide variant.
Coding change: c.13031A>T on transcript NM_182961.4 (MANE Select); coding-DNA position 13031, A replaced by T.
Protein change: p.Glu4344Val; replaces glutamic acid 4344 with valine.
Molecular consequence: missense variant.
Genome position (GRCh38, 1-based): chr6:152,331,654, T>A on the plus strand (A>T on the coding strand, the complement: SYNE1 is on the minus strand). VCF-style: chr6-152331654-T-A. GRCh37 (hg19) VCF-style: chr6-152652789-T-A.
Other names: c.12818A>T, p.Glu4273Val (NM_033071.5); short protein forms E4273V, E4344V.
Identifiers: ClinVar variation 498624 (VCV000498624.20), dbSNP rs145639107, ClinGen allele CA4056269.

ClinVar aggregate classification (germline): Uncertain significance. Review status: criteria provided, multiple submitters, no conflicts (2 of 4 stars). 6 submissions from 6 submitters: Uncertain significance (6). Last evaluated 2025-09-23.

Conditions:
Inborn genetic diseases. Identifiers: MedGen C0950123, MeSH D030342.
Emery-Dreifuss muscular dystrophy 4, autosomal dominant (EDMD4). Also called: EMERY-DREIFUSS MUSCULAR DYSTROPHY 4 WITH VARIABLE FEATURES. Identifiers: Orphanet 261, MedGen C2751807, MONDO:0013071, OMIM 612998.
Autosomal recessive ataxia, Beauce type. Also called: SYNE1-Related Autosomal Recessive Cerebellar Ataxia; Spinocerebellar ataxia, autosomal recessive 8; ATAXIA, RECESSIVE, OF BEAUCE; SYNE1 Deficiency. Identifiers: Orphanet 88644, MedGen C1853116, MONDO:0012549, OMIM 610743.

Allele frequency attached by ClinVar (database versions not stated): gnomAD exomes 0.00001 and 0.00004; ExAC 0.00003; gnomAD 0.00005 and 0.00006; TOPMed 0.00011; ESP Exome Variant Server 0.00015.
gnomAD v4.1: 22 of 1,614,054 alleles (0.0014%); highest among the groups gnomAD compares: African/African-American, 0.024%; no homozygotes.

Submissions (6):

Labcorp Genetics (formerly Invitae), Labcorp
Classification: Uncertain significance for Emery-Dreifuss muscular dystrophy 4, autosomal dominant; Autosomal recessive ataxia, Beauce type. Last evaluated: 2025-09-23. Review status: criteria provided, single submitter. Criteria: Invitae Variant Classification Sherloc (09022015). Collection method: clinical testing. Allele origin: germline.
Comment: This sequence change replaces glutamic acid, which is acidic and polar, with valine, which is neutral and non-polar, at codon 4273 of the SYNE1 protein (p.Glu4273Val). This variant is present in population databases (rs145639107, gnomAD 0.04%). This variant has not been reported in the literature in individuals affected with SYNE1-related conditions. ClinVar contains an entry for this variant (Variation ID: 498624). An algorithm developed to predict the effect of missense changes on protein structure and function (PolyPhen-2) suggests that this variant is likely to be disruptive. In summary, the available evidence is currently insufficient to determine the role of this variant in disease. Therefore, it has been classified as a Variant of Uncertain Significance.

GeneDx
Classification: Uncertain significance. Last evaluated: 2025-07-22. Review status: criteria provided, single submitter. Criteria: GeneDx Variant Classification Process June 2021. Collection method: clinical testing. Allele origin: germline. Affected: yes.
Comment: In silico analysis supports that this missense variant has a deleterious effect on protein structure/function; Has not been previously published as pathogenic or benign to our knowledge

Women's Health and Genetics/Laboratory Corporation of America, LabCorp
Classification: Uncertain significance. Last evaluated: 2024-12-02. Review status: criteria provided, single submitter. Criteria: LabCorp Variant Classification Summary - May 2015. Collection method: clinical testing. Allele origin: germline.
Comment: Variant summary: SYNE1 c.12818A>T (p.Glu4273Val) results in a non-conservative amino acid change in the encoded protein sequence. Four of five in-silico tools predict a damaging effect of the variant on protein function. The variant allele was found at a frequency of 3.6e-05 in 251490 control chromosomes. The available data on variant occurrences in the general population are insufficient to allow any conclusion about variant significance. To our knowledge, no occurrence of c.12818A>T in individuals affected with Autosomal recessive ataxia, Beauce type and no experimental evidence demonstrating its impact on protein function have been reported. ClinVar contains an entry for this variant (Variation ID: 498624). Based on the evidence outlined above, the variant was classified as uncertain significance.

Ambry Genetics
Classification: Uncertain significance for Inborn genetic diseases. Last evaluated: 2021-11-15. Review status: criteria provided, single submitter. Criteria: Ambry Variant Classification Scheme 2023. Collection method: clinical testing. Allele origin: germline.

Revvity Omics, Revvity
Classification: Uncertain significance. Last evaluated: 2019-06-20. Review status: criteria provided, single submitter. Criteria: ACMG Guidelines, 2015. Collection method: clinical testing. Allele origin: germline.

Eurofins Ntd Llc (ga)
Classification: Uncertain significance. Last evaluated: 2016-11-30. Review status: criteria provided, single submitter. Criteria: EGL Classification Definitions 2015. Collection method: clinical testing. Allele origin: germline. Observed: 1 variant allele, 1 heterozygote.